The following is an entry in ClinVar:

ClinVar aggregate classification (germline): Uncertain significance. Review status: criteria provided, multiple submitters, no conflicts (2 of 4 stars). 4 submissions from 4 submitters: Uncertain significance (4). Last evaluated 2025-09-19.

Conditions:
Hereditary cancer-predisposing syndrome. Also called: Hereditary neoplastic syndrome; Neoplastic Syndromes, Hereditary; Tumor predisposition; Hereditary Cancer Syndrome. Identifiers: Orphanet 140162, MedGen C0027672, MeSH D009386, MONDO:0015356.
Familial cancer of breast. Also called: Hereditary breast cancer; hereditary breast carcinoma; BREAST CANCER, FAMILIAL. Identifiers: Orphanet 227535, MedGen C0346153, MONDO:0016419, OMIM 114480. Disease mechanism: loss of function.
Pancreatic cancer, susceptibility to, 3. Identifiers: Orphanet 1333, MedGen C3150547, MONDO:0013236, OMIM 613348.
Fanconi anemia complementation group N. Also called: PALB2-Related Fanconi Anemia. Identifiers: Orphanet 84, MedGen C1835817, MONDO:0012565, OMIM 610832. Disease mechanism: loss of function.

Allele frequency attached by ClinVar (database versions not stated): TOPMed below 0.00001; gnomAD 0.00001.
gnomAD v4.1: 1 of 1,613,984 alleles (0.000062%); highest among the groups gnomAD compares: Admixed American, 0.0017%; no homozygotes.

Submissions (4):

Ambry Genetics
Classification: Uncertain significance for Hereditary cancer-predisposing syndrome. Last evaluated: 2025-09-19. Review status: criteria provided, single submitter. Criteria: Ambry Variant Classification Scheme 2023. Collection method: clinical testing. Allele origin: germline.
Comment: The p.A587T variant (also known as c.1759G>A), located in coding exon 5 of the PALB2 gene, results from a G to A substitution at nucleotide position 1759. The alanine at codon 587 is replaced by threonine, an amino acid with similar properties. This variant was not reported in population based cohorts in the following databases: Database of Single Nucleotide Polymorphisms (dbSNP), NHLBI Exome Sequencing Project (ESP), and 1000 Genomes Project. In the ESP, this variant was not observed in 6497 samples (12994 alleles) with coverage at this position. To date, this alteration has been detected with an allele frequency of approximately 0.001% (greater than 130000 alleles tested) in our clinical cohort. This amino acid position is not well conserved in available vertebrate species. In addition, this alteration is predicted to be tolerated by in silico analysis. Since supporting evidence is limited at this time, the clinical significance of this alteration remains unclear.

Labcorp Genetics (formerly Invitae), Labcorp
Classification: Uncertain significance for Familial cancer of breast. Last evaluated: 2024-06-21. Review status: criteria provided, single submitter. Criteria: Invitae Variant Classification Sherloc (09022015). Collection method: clinical testing. Allele origin: germline.
Comment: This sequence change replaces alanine, which is neutral and non-polar, with threonine, which is neutral and polar, at codon 587 of the PALB2 protein (p.Ala587Thr). This variant is not present in population databases (gnomAD no frequency). This variant has not been reported in the literature in individuals affected with PALB2-related conditions. ClinVar contains an entry for this variant (Variation ID: 410106). Advanced modeling of protein sequence and biophysical properties (such as structural, functional, and spatial information, amino acid conservation, physicochemical variation, residue mobility, and thermodynamic stability) performed at Invitae indicates that this missense variant is not expected to disrupt PALB2 protein function with a negative predictive value of 80%. In summary, the available evidence is currently insufficient to determine the role of this variant in disease. Therefore, it has been classified as a Variant of Uncertain Significance.

GeneDx
Classification: Uncertain significance. Last evaluated: 2023-11-14. Review status: criteria provided, single submitter. Criteria: GeneDx Variant Classification Process June 2021. Collection method: clinical testing. Allele origin: germline. Affected: yes.
Comment: Not observed at significant frequency in large population cohorts (gnomAD); In silico analysis supports that this missense variant does not alter protein structure/function; Has not been previously published as pathogenic or benign to our knowledge

Fulgent Genetics
Classification: Uncertain significance for Familial cancer of breast; Fanconi anemia complementation group N; Pancreatic cancer, susceptibility to, 3. Last evaluated: 2018-10-31. Review status: criteria provided, single submitter. Criteria: ACMG Guidelines, 2015. Collection method: clinical testing. Allele origin: unknown.

NM_024675.4(PALB2):c.1759G>A (p.Ala587Thr)

Gene: PALB2 (partner and localizer of BRCA2; minus strand). Cytogenetic location: 16p12.2.
Variant type: single nucleotide variant.
Coding change: c.1759G>A on transcript NM_024675.4 (MANE Select); coding-DNA position 1759, G replaced by A.
Protein change: p.Ala587Thr; replaces alanine 587 with threonine.
Molecular consequence: missense variant.
Genome position (GRCh38, 1-based): chr16:23,630,395, C>T on the plus strand (G>A on the coding strand, the complement: PALB2 is on the minus strand). VCF-style: chr16-23630395-C-T. GRCh37 (hg19) VCF-style: chr16-23641716-C-T.
Other names: short protein forms A587T.
Identifiers: ClinVar variation 410106 (VCV000410106.22), dbSNP rs1060502733, ClinGen allele CA16615253.